The following is an entry in ClinVar:

ClinVar aggregate classification (germline): Uncertain significance. Review status: reviewed by expert panel (3 of 4 stars). 11 submissions from 11 submitters: Uncertain significance (1). 10 of the submissions do not count toward it. Last evaluated 2021-11-19.

Conditions:
Cardiovascular phenotype. Identifiers: MedGen CN230736.
Left ventricular noncompaction. Identifiers: Orphanet 54260, MedGen C1960469, MONDO:0018901, HP:0030682.
Cardiomyopathy (CMYO). Also called: Cardiomyopathies. Identifiers: Orphanet 167848, MedGen C0878544, MONDO:0004994, HP:0001638. Inheritance: Various modes of inheritance.
Hypertrophic cardiomyopathy 1 (CMH1). Also called: MYH7-Related Familial Hypertrophic Cardiomyopathy; Familial hypertrophic cardiomyopathy 1. Identifiers: MedGen C3495498, MONDO:0008647, OMIM 192600.
Dilated cardiomyopathy 1S (CMD1S). Identifiers: Orphanet 154, Orphanet 54260, MedGen C1834481, MONDO:0013262, OMIM 613426.
Primary dilated cardiomyopathy (DCM). Also called: Dilated Cardiomyopathy. Identifiers: Orphanet 217604, MedGen C0007193, MeSH D002311, MONDO:0005021, HP:0001644. Inheritance: Various modes of inheritance.
Hypertrophic cardiomyopathy. Also called: HYPERTROPHIC MYOCARDIOPATHY. Identifiers: Orphanet 217569, MedGen C0007194, MeSH D002312, MONDO:0005045, HP:0001639.

Allele frequency attached by ClinVar (database versions not stated): gnomAD exomes below 0.00001.
gnomAD v4.1: 2 of 1,614,124 alleles (0.00012%); highest among the groups gnomAD compares: Non-Finnish European, 0.00017%; no homozygotes.

Submissions (11):

ClinGen Cardiomyopathy Variant Curation Expert Panel
Classification: Uncertain significance for Primary dilated cardiomyopathy. Last evaluated: 2021-11-19. Review status: reviewed by expert panel. Criteria: ClinGen CMP ACMG Specifications v1. Collection method: curation. Allele origin: germline. Inheritance: Autosomal dominant inheritance.
Comment: The NM_000257.4(MYH7):c.323G>A (p.Arg108His) variant has been identified in 2 individuals with DCM, including 1 that also had LVNC and another that had a truncating variant in TTN (GeneDx pers. comm.; OMGL pers. comm.), as well as in 1 individual with LVNC (Ambry pers. comm.). However, collectively this data is insufficient to apply PS4. Additionally, this variant segregated with disease in 1 affected individual with DCM and LVNC from 1 families (OMGL pers. comm.); however, this data is currently insufficient to establish co-segregation with disease and apply PP1. This variant was absent from large population studies (PM2; gnomAD v2.1.1). Computational prediction tools and conservation analysis suggest that this variant may impact the protein (PP3). In summary, due to insufficient evidence, this variant is classified as uncertain significance for dilated cardiomyopathy in an autosomal dominant manner. MYH7-specific ACMG/AMP criteria applied (Kelly 2018 PMID:29300372): PM2, PP3

Women's Health and Genetics/Laboratory Corporation of America, LabCorp
Classification: Likely pathogenic for Left ventricular noncompaction. Last evaluated: 2026-03-11. Review status: criteria provided, single submitter. Criteria: LabCorp Variant Classification Summary - May 2015. Collection method: clinical testing. Allele origin: germline. Not counted in ClinVar's aggregate classification.
Comment: Variant summary: MYH7 c.323G>A (p.Arg108His) results in a non-conservative amino acid change in the encoded protein sequence. Algorithms developed to predict the effect of missense changes on protein structure and function all suggest that this variant is likely to be disruptive. The variant was absent in 251400 control chromosomes. c.323G>A has been observed in as a de novo occurrence in a child affected with Left Ventricular Noncompaction (Piekutowska-Abramczuk_2022), as well as an individual affected with Cardiomyopathy (Ware_2021). To our knowledge, no experimental evidence demonstrating an impact on protein function has been reported. The following publications have been ascertained in the context of this evaluation (PMID: 35893073, 33906374). ClinVar contains an entry for this variant (Variation ID: 181299). Based on the evidence outlined above, the variant was classified as likely pathogenic.

Labcorp Genetics (formerly Invitae), Labcorp
Classification: Pathogenic for Hypertrophic cardiomyopathy. Last evaluated: 2025-05-13. Review status: criteria provided, single submitter. Criteria: Invitae Variant Classification Sherloc (09022015). Collection method: clinical testing. Allele origin: germline. Not counted in ClinVar's aggregate classification.
Comment: This sequence change replaces arginine, which is basic and polar, with histidine, which is basic and polar, at codon 108 of the MYH7 protein (p.Arg108His). This variant is not present in population databases (gnomAD no frequency). This missense change has been observed in individual(s) with left ventricular noncompaction cardiomyopathy (PMID: 35893073). In at least one individual the variant was observed to be de novo. ClinVar contains an entry for this variant (Variation ID: 181299). Invitae Evidence Modeling of protein sequence and biophysical properties (such as structural, functional, and spatial information, amino acid conservation, physicochemical variation, residue mobility, and thermodynamic stability) indicates that this missense variant is expected to disrupt MYH7 protein function with a positive predictive value of 95%. For these reasons, this variant has been classified as Pathogenic.

Color Diagnostics, LLC DBA Color Health
Classification: Likely pathogenic for Cardiomyopathy. Last evaluated: 2025-05-08. Review status: criteria provided, single submitter. Criteria: ACMG Guidelines, 2015. Collection method: clinical testing. Allele origin: germline. Not counted in ClinVar's aggregate classification.
Comment: This missense variant replaces arginine with histidine at codon 108 of the MYH7 protein. Computational prediction suggests that this variant may have deleterious impact on protein structure and function. To our knowledge, functional studies have not been reported for this variant. This variant has been observed as de novo in a child with left ventricular noncompaction cardiomyopathy (PMID: 35893073). This variant has been reported to segregate with disease in a family affected with left ventricular noncompaction cardiomyopathy (ClinVar SCV002611770.4). This variant has also been reported in a child with dilated cardiomyopathy (PMID: 35026164). This variant has not been identified in the general population by the Genome Aggregation Database (gnomAD). Based on the available evidence, this variant is classified as Likely Pathogenic.

Ambry Genetics
Classification: Likely pathogenic for Cardiovascular phenotype. Last evaluated: 2025-01-31. Review status: criteria provided, single submitter. Criteria: Ambry Variant Classification Scheme 2023. Collection method: clinical testing. Allele origin: germline. Not counted in ClinVar's aggregate classification.
Comment: The p.R108H variant (also known as c.323G>A), located in coding exon 2 of the MYH7 gene, results from a G to A substitution at nucleotide position 323. The arginine at codon 108 is replaced by histidine, an amino acid with highly similar properties. This variant was reported in individual(s) with features consistent with left ventricular non-compaction (LVNC); in at least one individual, it was determined to be de novo (Piekutowska-Abramczuk D et al. Genes (Basel), 2022 Jul;13). Additionally, this variant segregated with disease in at least one family with features consistent with LVNC (Ambry internal data). This variant is considered to be rare based on population cohorts in the Genome Aggregation Database (gnomAD). This amino acid position is highly conserved in available vertebrate species. In addition, this alteration is predicted to be deleterious by in silico analysis. Based on the majority of available evidence to date, this variant is likely to be pathogenic.

Molecular Diagnostic Laboratory for Inherited Cardiovascular Disease, Montreal Heart Institute
Classification: Likely pathogenic for Cardiovascular phenotype. Last evaluated: 2025-01-22. Review status: criteria provided, single submitter. Criteria: ACMG Guidelines, 2015. Collection method: clinical testing. Allele origin: germline. Affected: yes. Not counted in ClinVar's aggregate classification.
Comment: PM2, PM6, PS4_supp, PP3

All of Us Research Program, National Institutes of Health
Classification: Uncertain significance for Cardiomyopathy. Last evaluated: 2023-12-01. Review status: criteria provided, single submitter. Criteria: ACMG Guidelines, 2015. Collection method: clinical testing. Allele origin: germline. Inheritance: Autosomal dominant inheritance. Observed: 1 variant allele, 1 heterozygote. Not counted in ClinVar's aggregate classification.
Comment: This study involves interpretation of variants in research participants for the purpose of population health screening. Participant phenotype was not available at the time of variant classification. Additional details can be found in publication PMID: 35346344, PMCID: PMC8962531

Mendelics
Classification: Uncertain significance for Hypertrophic cardiomyopathy 1. Last evaluated: 2023-04-21. Review status: criteria provided, single submitter. Criteria: Mendelics Assertion Criteria 2017. Collection method: clinical testing. Allele origin: unknown. Not counted in ClinVar's aggregate classification.

Mayo Clinic Laboratories, Mayo Clinic
Classification: Uncertain significance. Last evaluated: 2023-01-04. Review status: criteria provided, single submitter. Criteria: ACMG Guidelines, 2015. Collection method: clinical testing. Allele origin: germline. Observed: 1 variant allele. Not counted in ClinVar's aggregate classification.
Comment: PP3, PM2_supporting, PM6

GeneDx
Classification: Uncertain significance. Last evaluated: 2017-10-31. Review status: criteria provided, single submitter. Criteria: GeneDx Variant Classification (06012015). Collection method: clinical testing. Allele origin: germline. Affected: yes. Not counted in ClinVar's aggregate classification.
Comment: The R108H variant in the MYH7 gene has not been reported previously as a pathogenic variant, nor as a benign variant, to our knowledge. The R108H variant is not observed in large population cohorts (Lek et al., 2016). The R108H variant is a conservative amino acid substitution, which is not likely to impact secondary protein structure as these residues share similar properties. However, this substitution occurs at a position that is conserved across species. In silico analysis predicts this variant is probably damaging to the protein structure/function. We interpret R108H as a variant of uncertain significance.

Clinical Genetics Laboratory, University Hospital Schleswig-Holstein
Classification: Likely pathogenic for Dilated cardiomyopathy 1S. Last evaluated: 2021-09-13. Review status: no assertion criteria provided. Collection method: clinical testing. Allele origin: germline. Affected: yes. Not counted in ClinVar's aggregate classification.

Literature cited by the submitters: PubMed 33906374 (cited by Women's Health and Genetics/Laboratory Corporation of America, LabCorp); PubMed 35893073 (cited by 5 submitters); PubMed 35026164 (cited by Color Diagnostics, LLC DBA Color Health and Ambry Genetics).

NM_000257.4(MYH7):c.323G>A (p.Arg108His)

Gene: MYH7 (myosin heavy chain 7; minus strand). Cytogenetic location: 14q11.2.
Variant type: single nucleotide variant.
Coding change: c.323G>A on transcript NM_000257.4 (MANE Select); coding-DNA position 323, G replaced by A.
Protein change: p.Arg108His; replaces arginine 108 with histidine.
Molecular consequence: missense variant.
Genome position (GRCh38, 1-based): chr14:23,433,106, C>T on the plus strand (G>A on the coding strand, the complement: MYH7 is on the minus strand). VCF-style: chr14-23433106-C-T. GRCh37 (hg19) VCF-style: chr14-23902315-C-T.
Other names: p.R108H:CGC>CAC; NM_000257.4(MYH7):c.323G>A; p.Arg108His; c.323G>A (LRG_384t1); short protein forms R108H.
Identifiers: ClinVar variation 181299 (VCV000181299.22), dbSNP rs730880832, ClinGen allele CA013482.